The following is an entry in ClinVar:

NM_001126108.2(SLC12A3):c.2874del (p.Arg958fs)

Gene: SLC12A3 (solute carrier family 12 member 3; plus strand). Cytogenetic location: 16q13.
Variant type: Deletion.
Coding change: c.2874del on transcript NM_001126108.2 (MANE Select); coding-DNA position 2874, one base deleted (G; older notation c.2874delG).
Protein change: p.Arg958fs; shifts the reading frame from arginine 958.
Molecular consequence: frameshift variant.
Genome position (GRCh38, 1-based): chr16:56,904,412, G deleted; the last of 2 consecutive G bases (chr16:56,904,411-56,904,412); deleting either gives the same sequence. VCF-style (leftmost placement, unchanged base first): chr16-56904410-AG-A. GRCh37 (hg19) VCF-style: chr16-56938322-AG-A.
Other names: c.2901del, p.Arg967fs (NM_000339.3); c.2898del, p.Arg966fs (NM_001126107.2); c.2871del, p.Arg957fs (NM_001410896.1); short protein forms R957fs, R967fs, R958fs, R966fs.
Identifiers: ClinVar variation 2751501 (VCV002751501.3), dbSNP rs2543563410, ClinGen allele CA2633380608.

ClinVar aggregate classification (germline): Pathogenic (1 of 4 stars; one submission).

Submission:

Labcorp Genetics (formerly Invitae), Labcorp
Classification: Pathogenic. Last evaluated: 2023-08-10. Review status: criteria provided, single submitter. Criteria: Invitae Variant Classification Sherloc (09022015). Collection method: clinical testing. Allele origin: germline.
Comment: This sequence change creates a premature translational stop signal (p.Arg967Serfs*2) in the SLC12A3 gene. It is expected to result in an absent or disrupted protein product. Loss-of-function variants in SLC12A3 are known to be pathogenic (PMID: 20848653, 22009145, 25841442). This variant is not present in population databases (gnomAD no frequency). This variant has not been reported in the literature in individuals affected with SLC12A3-related conditions. For these reasons, this variant has been classified as Pathogenic.

Literature cited by the submitters: PubMed 20848653; PubMed 22009145; PubMed 25841442.